The following is an entry in ClinVar:

NM_001128833.2(ZBTB4):c.159C>T (p.Pro53=)

Gene: ZBTB4 (zinc finger and BTB domain containing 4; minus strand). Cytogenetic location: 17p13.1.
Variant type: single nucleotide variant.
Coding change: c.159C>T on transcript NM_001128833.2 (MANE Select); coding-DNA position 159, C replaced by T.
Protein change: p.Pro53=; no amino-acid change (proline 53 retained).
Molecular consequence: synonymous variant.
Genome position (GRCh38, 1-based): chr17:7,466,643, G>A on the plus strand (C>T on the coding strand, the complement: ZBTB4 is on the minus strand). VCF-style: chr17-7466643-G-A. GRCh37 (hg19) VCF-style: chr17-7369962-G-A.
Other names: c.159C>T, p.Pro53= (NM_020899.4).
Identifiers: ClinVar variation 784698 (VCV000784698.28), dbSNP rs140340146, ClinGen allele CA8348702.
Genomic context (GRCh38, chr17:7,466,643, plus strand): 5'-GCCCCCAGTAGCTGGTGGAAGGGGTAGTGGGGCTGAAGTGAGCAGGGCCTCTCTGAAGAA[G>A]GGACTTGAAGCAGCCAGGACGCTGCGGTGAGCAGGGAACTTGGTGTCTCCGGCTATGAGG-3'
Protein context (NP_001122305.1, residues 43-63): AHRSVLAASS[Pro53=]FFREALLTSA

ClinVar aggregate classification (germline): Benign/Likely benign. Review status: criteria provided, multiple submitters, no conflicts (2 of 4 stars). 3 submissions from 3 submitters: Benign (2); Likely benign (1). Last evaluated 2023-04-01.

Allele frequency attached by ClinVar (database versions not stated): 1000 Genomes Project 30x 0.00141; 1000 Genomes Project 0.00160; TOPMed 0.00539; gnomAD 0.00614 and 0.00638; gnomAD exomes 0.00638 and 0.00874; ExAC 0.00650; ESP Exome Variant Server 0.00654.
gnomAD v4.1: 13,503 of 1,613,864 alleles (0.84%); highest among the groups gnomAD compares: Non-Finnish European, 0.99%; 88 homozygotes.

Submissions (3):

CeGaT Center for Human Genetics Tuebingen
Classification: Likely benign. Last evaluated: 2023-04-01. Review status: criteria provided, single submitter. Criteria: CeGaT Center For Human Genetics Tuebingen Variant Classification Criteria Version 2. Collection method: clinical testing. Allele origin: germline. Affected: yes. Observed: 1 variant allele.
Comment: ZBTB4: BP4, BP7, BS2

Labcorp Genetics (formerly Invitae), Labcorp
Classification: Benign. Last evaluated: 2018-04-09. Review status: criteria provided, single submitter. Criteria: Invitae Variant Classification Sherloc (09022015). Collection method: clinical testing. Allele origin: germline.

Breakthrough Genomics
Classification: Benign. Review status: criteria provided, single submitter. Criteria: ACMG Guidelines, 2015. Collection method: not provided. Allele origin: germline. Inheritance: Unknown mechanism. Affected: yes.